The following is an entry in ClinVar:

NM_020693.4(DSCAML1):c.4379G>C (p.Ser1460Thr)

Gene: DSCAML1 (DS cell adhesion molecule like 1; minus strand). Cytogenetic location: 11q23.3.
Variant type: single nucleotide variant.
Coding change: c.4379G>C on transcript NM_020693.4 (MANE Select); coding-DNA position 4379, G replaced by C.
Protein change: p.Ser1460Thr; replaces serine 1460 with threonine.
Molecular consequence: missense variant.
Genome position (GRCh38, 1-based): chr11:117,437,948, C>G on the plus strand (G>C on the coding strand, the complement: DSCAML1 is on the minus strand). VCF-style: chr11-117437948-C-G. GRCh37 (hg19) VCF-style: chr11-117308664-C-G.
Other names: short protein forms S1460T.
Identifiers: ClinVar variation 1951478 (VCV001951478.5), dbSNP rs961343524, ClinGen allele CA229402249.
Genomic context (GRCh38, chr11:117,437,948, plus strand): 5'-GCCTCACCCCGCCCGTGGGTCTTGGCCTCGATGATCTCGCTGATGCGCCCAGAGCCCACG[C>G]TGTTCTTGGCTGCCAGCTTCACCTTGTACCACGTGCCACACTTGAGGCTGTCCAGCTTGA-3'
Protein context (NP_065744.3, residues 1450-1470): WYKVKLAAKN[Ser1460Thr]VGSGRISEII

ClinVar aggregate classification (germline): Uncertain significance (1 of 4 stars; one submission).

Allele frequency attached by ClinVar (database versions not stated): TOPMed 0.00001.

Submission:

Labcorp Genetics (formerly Invitae), Labcorp
Classification: Uncertain significance. Last evaluated: 2022-08-01. Review status: criteria provided, single submitter. Criteria: Invitae Variant Classification Sherloc (09022015). Collection method: clinical testing. Allele origin: germline.
Comment: This sequence change replaces serine, which is neutral and polar, with threonine, which is neutral and polar, at codon 1520 of the DSCAML1 protein (p.Ser1520Thr). This variant is not present in population databases (gnomAD no frequency). This variant has not been reported in the literature in individuals affected with DSCAML1-related conditions. Algorithms developed to predict the effect of missense changes on protein structure and function are either unavailable or do not agree on the potential impact of this missense change (SIFT: "Deleterious"; PolyPhen-2: "Benign"; Align-GVGD: "Class C0"). In summary, the available evidence is currently insufficient to determine the role of this variant in disease. Therefore, it has been classified as a Variant of Uncertain Significance.